The following is an entry in ClinVar:

ClinVar aggregate classification (germline): Uncertain significance. Review status: criteria provided, multiple submitters, no conflicts (2 of 4 stars). 3 submissions from 3 submitters: Uncertain significance (3). Last evaluated 2025-08-03.

Conditions:
Hereditary cancer-predisposing syndrome. Also called: Hereditary neoplastic syndrome; Neoplastic Syndromes, Hereditary; Hereditary Cancer Syndrome; Tumor predisposition. Identifiers: Orphanet 140162, MedGen C0027672, MeSH D009386, MONDO:0015356.
Multiple endocrine neoplasia, type 2 (MEN2). Identifiers: Orphanet 653, MedGen C4048306, MONDO:0019003. Disease mechanism: gain of function.

Submissions (3):

Ambry Genetics
Classification: Uncertain significance for Hereditary cancer-predisposing syndrome. Last evaluated: 2025-08-03. Review status: criteria provided, single submitter. Criteria: Ambry Variant Classification Scheme 2023. Collection method: clinical testing. Allele origin: germline.
Comment: The p.L206F variant (also known as c.616C>T), located in coding exon 3 of the RET gene, results from a C to T substitution at nucleotide position 616. The leucine at codon 206 is replaced by phenylalanine, an amino acid with highly similar properties. This amino acid position is conserved. In addition, this alteration is predicted to be tolerated by in silico analysis. Based on the available evidence, the clinical significance of this variant remains unclear.

Color Diagnostics, LLC DBA Color Health
Classification: Uncertain significance for Multiple endocrine neoplasia, type 2. Last evaluated: 2025-07-03. Review status: criteria provided, single submitter. Criteria: ACMG Guidelines, 2015. Collection method: clinical testing. Allele origin: germline.
Comment: This missense variant replaces leucine with phenylalanine at codon 206 of the RET protein. Computational prediction suggests that this variant may not impact protein structure and function. To our knowledge, functional studies have not been reported for this variant. This variant has not been reported in individuals affected with RET-related disorders in the literature. This variant has not been identified in the general population by the Genome Aggregation Database (gnomAD). The available evidence is insufficient to determine the role of this variant in disease conclusively. Therefore, this variant is classified as a Variant of Uncertain Significance.

Labcorp Genetics (formerly Invitae), Labcorp
Classification: Uncertain significance for Multiple endocrine neoplasia, type 2. Last evaluated: 2022-09-18. Review status: criteria provided, single submitter. Criteria: Invitae Variant Classification Sherloc (09022015). Collection method: clinical testing. Allele origin: germline.
Comment: Algorithms developed to predict the effect of missense changes on protein structure and function are either unavailable or do not agree on the potential impact of this missense change (SIFT: "Deleterious"; PolyPhen-2: "Probably Damaging"; Align-GVGD: "Class C0"). This sequence change replaces leucine, which is neutral and non-polar, with phenylalanine, which is neutral and non-polar, at codon 206 of the RET protein (p.Leu206Phe). This variant is not present in population databases (gnomAD no frequency). This variant has not been reported in the literature in individuals affected with RET-related conditions. In summary, the available evidence is currently insufficient to determine the role of this variant in disease. Therefore, it has been classified as a Variant of Uncertain Significance.

NM_020975.6(RET):c.616C>T (p.Leu206Phe)

Gene: RET (ret proto-oncogene; plus strand). Cytogenetic location: 10q11.21.
Variant type: single nucleotide variant.
Coding change: c.616C>T on transcript NM_020975.6 (MANE Select); coding-DNA position 616, C replaced by T.
Protein change: p.Leu206Phe; replaces leucine 206 with phenylalanine.
Molecular consequence: missense variant.
Genome position (GRCh38, 1-based): chr10:43,102,620, C>T. VCF-style: chr10-43102620-C-T. GRCh37 (hg19) VCF-style: chr10-43598068-C-T.
Other names: c.616C>T, p.Leu206Phe (NM_000323.2, NM_001406743.1, NM_001406744.1 and 16 more transcripts); c.487C>T, p.Leu163Phe (NM_001406761.1, NM_001406762.1, NM_001406764.1 and 4 more transcripts); short protein forms L206F, L163F.
Identifiers: ClinVar variation 2167280 (VCV002167280.5), dbSNP rs2492165692, ClinGen allele CA376543686.